The following is an entry in ClinVar:

ClinVar aggregate classification (germline): Likely benign (1 of 4 stars; one submission).

Conditions:
Hereditary breast ovarian cancer syndrome. Also called: Hereditary breast and ovarian cancer; Hereditary breast and ovarian cancer syndrome (HBOC); Breast and ovarian cancer; Hereditary breast and/or ovarian cancer syndrome; BRCA1- and BRCA2-Associated Hereditary Breast and Ovarian Cancer; Hereditary breast and ovarian cancer syndrome. Identifiers: Orphanet 145, MedGen C0677776, MeSH D061325, MONDO:0003582. Disease mechanism: loss of function.

Allele frequency attached by ClinVar (database versions not stated): TOPMed below 0.00001; gnomAD 0.00001.

Submissions (2):

Labcorp Genetics (formerly Invitae), Labcorp
Classification: Likely benign for Hereditary breast ovarian cancer syndrome. Last evaluated: 2025-10-15. Review status: criteria provided, single submitter. Criteria: Invitae Variant Classification Sherloc (09022015). Collection method: clinical testing. Allele origin: germline.

Brotman Baty Institute, University of Washington
No classification provided (evidence only). Condition: Breast-ovarian cancer, familial 1. Review status: no classification provided. Collection method: in vitro. Allele origin: not applicable. Functional consequence: functionally_normal. Not counted in ClinVar's aggregate classification.
ClinVar note: "not provided" was previously submitted as the classification for the variant. However, the classification appeared to be based only on an observation of functional data so it was converted to no classification on 2025-07-30.

NM_007294.4(BRCA1):c.5278-15C>T

Gene: BRCA1 (BRCA1 DNA repair associated; minus strand). Cytogenetic location: 17q21.31.
Variant type: single nucleotide variant.
Coding change: c.5278-15C>T on transcript NM_007294.4 (MANE Select); 15 bases into the intron before coding-DNA position 5278, C replaced by T.
Molecular consequence: intron variant.
Genome position (GRCh38, 1-based): chr17:43,051,132, G>A on the plus strand (C>T on the coding strand, the complement: BRCA1 is on the minus strand). VCF-style: chr17-43051132-G-A. GRCh37 (hg19) VCF-style: chr17-41203149-G-A.
Other names: c.1825-15C>T (NM_001408458.1, NM_001408461.1, NM_001408464.1 and 7 more transcripts); c.4387-15C>T (NM_001407967.1); c.4897-15C>T (NM_001407959.1); c.5011-15C>T (NM_001407931.1, NM_001407932.1, NM_001407928.1 and 4 more transcripts); c.5134-15C>T (NM_001407747.1, NM_001407745.1, NM_001407737.1 and 21 more transcripts); c.4894-15C>T (NM_001407962.1, NM_001407960.1); c.1465-15C>T (NM_001408512.1); c.1588-15C>T (NM_001408510.1); and 74 more.
Identifiers: ClinVar variation 867936 (VCV000867936.4), dbSNP rs1320766010, ClinGen allele CA772168086.